The following is an entry in ClinVar:

NM_015443.4(KANSL1):c.2505C>T (p.Pro835=)

Gene: KANSL1 (KAT8 regulatory NSL complex subunit 1). Cytogenetic location: 17q21.31.
Variant type: single nucleotide variant.
Coding change: c.2505C>T on transcript NM_015443.4 (MANE Select); coding-DNA position 2505, C replaced by T.
Protein change: p.Pro835=; no amino-acid change (proline 835 retained).
Molecular consequence: synonymous variant.
Genome position (GRCh38, 1-based): chr17:46,038,574, G>A on the plus strand (C>T on the coding strand, the complement: KANSL1 is on the minus strand). VCF-style: chr17-46038574-G-A. GRCh37 (hg19) VCF-style: chr17-44115940-G-A.
Other names: c.2505C>T, p.Pro835= (NM_001193465.2, NM_001193466.2, NM_001379198.1).
Identifiers: ClinVar variation 1095362 (VCV001095362.32), dbSNP rs1037817208, ClinGen allele CA291108145.

ClinVar aggregate classification (germline): Likely benign. Review status: criteria provided, multiple submitters, no conflicts (2 of 4 stars). 2 submissions from 2 submitters: Likely benign (2). Last evaluated 2024-08-07.

Conditions:
Koolen-de Vries syndrome (KDVS). Identifiers: Orphanet 96169, MedGen C1864871, MONDO:0012496, OMIM 610443.

Allele frequency attached by ClinVar (database versions not stated): gnomAD exomes below 0.00001; gnomAD 0.00001.
gnomAD v4.1: 25 of 1,614,016 alleles (0.0015%); highest among the groups gnomAD compares: East Asian, 0.027%; no homozygotes.

Submissions (2):

Labcorp Genetics (formerly Invitae), Labcorp
Classification: Likely benign for Koolen-de Vries syndrome. Last evaluated: 2024-08-07. Review status: criteria provided, single submitter. Criteria: Invitae Variant Classification Sherloc (09022015). Collection method: clinical testing. Allele origin: germline.

CeGaT Center for Human Genetics Tuebingen
Classification: Likely benign. Last evaluated: 2023-01-01. Review status: criteria provided, single submitter. Criteria: CeGaT Center For Human Genetics Tuebingen Variant Classification Criteria Version 2. Collection method: clinical testing. Allele origin: germline. Affected: yes. Observed: 1 variant allele.
Comment: KANSL1: BP4, BP7